The following is an entry in ClinVar:

ClinVar aggregate classification (germline): Pathogenic. Review status: criteria provided, multiple submitters, no conflicts (2 of 4 stars). 4 submissions from 4 submitters: Pathogenic (3). 1 of the submissions does not count toward it. Last evaluated 2024-04-22.

Conditions:
Familial adenomatous polyposis 4 (FAP4). Also called: MSH3-related attenuated familial adenomatous polyposis. Identifiers: Orphanet 480536, MedGen C4310719, MONDO:0044300, OMIM 617100.
Hereditary cancer-predisposing syndrome. Also called: Neoplastic Syndromes, Hereditary; Hereditary Cancer Syndrome; Hereditary neoplastic syndrome; Tumor predisposition. Identifiers: Orphanet 140162, MedGen C0027672, MeSH D009386, MONDO:0015356.
MSH3-related disorder. Also called: MSH3-related condition.

Submissions (4):

Labcorp Genetics (formerly Invitae), Labcorp
Classification: Pathogenic. Last evaluated: 2024-04-22. Review status: criteria provided, single submitter. Criteria: Invitae Variant Classification Sherloc (09022015). Collection method: clinical testing. Allele origin: germline.
Comment: This sequence change creates a premature translational stop signal (p.Gln549Argfs*6) in the MSH3 gene. It is expected to result in an absent or disrupted protein product. Loss-of-function variants in MSH3 are known to be pathogenic (PMID: 27476653, 37402566). This variant is not present in population databases (gnomAD no frequency). This variant has not been reported in the literature in individuals affected with MSH3-related conditions. ClinVar contains an entry for this variant (Variation ID: 1459256). For these reasons, this variant has been classified as Pathogenic.

Myriad Genetics, Inc.
Classification: Pathogenic for Familial adenomatous polyposis 4. Last evaluated: 2023-08-30. Review status: criteria provided, single submitter. Criteria: Myriad Autosomal Dominant, Autosomal Recessive and X-Linked Classification Criteria (2023). Collection method: clinical testing. Allele origin: unknown.
Comment: This variant is considered pathogenic. This variant creates a frameshift predicted to result in premature protein truncation.

Ambry Genetics
Classification: Pathogenic for Hereditary cancer-predisposing syndrome. Last evaluated: 2022-05-12. Review status: criteria provided, single submitter. Criteria: Ambry Variant Classification Scheme 2023. Collection method: clinical testing. Allele origin: germline.
Comment: The c.1644delA pathogenic mutation, located in coding exon 11 of the MSH3 gene, results from a deletion of one nucleotide at nucleotide position 1644, causing a translational frameshift with a predicted alternate stop codon (p.Q549Rfs*6). This variant is considered to be rare based on population cohorts in the Genome Aggregation Database (gnomAD). This alteration is expected to result in loss of function by premature protein truncation or nonsense-mediated mRNA decay. As such, this alteration is interpreted as a disease-causing mutation.

PreventionGenetics, part of Exact Sciences
Classification: Pathogenic for MSH3-related condition. Last evaluated: 2024-09-11. Review status: no assertion criteria provided. Collection method: clinical testing. Allele origin: germline. Not counted in ClinVar's aggregate classification.
Comment: The MSH3 c.1644delA variant is predicted to result in a frameshift and premature protein termination (p.Gln549Argfs*6). To our knowledge, this variant has not been reported in the literature. This variant has not been reported in a large population database, indicating this variant is rare. This variant is classified as pathogenic by multiple submitters in ClinVar. Frameshift variants in MSH3 are expected to be pathogenic. This variant is interpreted as pathogenic.

Literature cited by the submitters: PubMed 27476653 (cited by Labcorp Genetics (formerly Invitae), Labcorp); PubMed 37402566 (cited by Labcorp Genetics (formerly Invitae), Labcorp).

NM_002439.5(MSH3):c.1644del (p.Gln549fs)

Gene: MSH3 (mutS homolog 3; plus strand). Cytogenetic location: 5q14.1.
Variant type: Deletion.
Coding change: c.1644del on transcript NM_002439.5 (MANE Select); coding-DNA position 1644, one base deleted (A; older notation c.1644delA).
Protein change: p.Gln549fs; shifts the reading frame from glutamine 549.
Molecular consequence: frameshift variant.
Genome position (GRCh38, 1-based): chr5:80,741,539, A deleted. VCF-style (leftmost placement, unchanged base first): chr5-80741538-TA-T. GRCh37 (hg19) VCF-style: chr5-80037357-TA-T.
Other names: c.1644delA (NM_002439.4); short protein forms Q549fs.
Identifiers: ClinVar variation 1459256 (VCV001459256.10), dbSNP rs2112866857, ClinGen allele CA2573139859.